The following is an entry in ClinVar:

NM_020699.4(GATAD2B):c.153del (p.Lys52fs)

Gene: GATAD2B (GATA zinc finger domain containing 2B; minus strand). Cytogenetic location: 1q21.3.
Variant type: Deletion.
Coding change: c.153del on transcript NM_020699.4 (MANE Select); coding-DNA position 153, one base deleted (G; older notation c.153delG).
Protein change: p.Lys52fs; shifts the reading frame from lysine 52.
Molecular consequence: frameshift variant.
Genome position (GRCh38, 1-based): chr1:153,828,195, C deleted on the plus strand (G on the coding strand, the reverse complement: GATAD2B is on the minus strand); the first of 2 consecutive C bases (chr1:153,828,195-153,828,196); deleting either gives the same sequence. VCF-style (leftmost placement, unchanged base first): chr1-153828194-TC-T. GRCh37 (hg19) VCF-style: chr1-153800670-TC-T.
Other names: short protein forms K52fs.
Identifiers: ClinVar variation 451832 (VCV000451832.2), dbSNP rs1553189704, ClinGen allele CA658656959.

ClinVar aggregate classification (germline): Pathogenic (1 of 4 stars; one submission).

Submission:

GeneDx
Classification: Pathogenic. Last evaluated: 2017-08-30. Review status: criteria provided, single submitter. Criteria: GeneDx Variant Classification (06012015). Collection method: clinical testing. Allele origin: germline. Affected: yes.
Comment: The c.153delG variant in the GATAD2B gene has not been reported previously as a pathogenic variant nor as a benign variant, to our knowledge. This variant causes a frameshift starting with codon Lysine 52, changes this amino acid to an Arginine residue, and creates a premature Stop codon at position 56 of the new reading frame, denoted p.Lys52ArgfsX56. This variant is predicted to cause loss of normal protein function either through protein truncation or nonsense-mediated mRNA decay. The c.153delG variant is not observed in large population cohorts (Lek et al., 2016; 1000 Genomes Consortium et al., 2015; Exome Variant Server). We interpret c.153delG as a pathogenic variant.